The following is an entry in ClinVar:

NM_000059.4(BRCA2):c.9776T>C (p.Ile3259Thr)

Gene: BRCA2 (BRCA2 DNA repair associated; plus strand). Cytogenetic location: 13q13.1.
Variant type: single nucleotide variant.
Coding change: c.9776T>C on transcript NM_000059.4 (MANE Select); coding-DNA position 9776, T replaced by C.
Protein change: p.Ile3259Thr; replaces isoleucine 3259 with threonine.
Molecular consequence: missense variant.
Genome position (GRCh38, 1-based): chr13:32,398,289, T>C. VCF-style: chr13-32398289-T-C. GRCh37 (hg19) VCF-style: chr13-32972426-T-C.
Other names: short protein forms I3259T.
Identifiers: ClinVar variation 252418 (VCV000252418.12), dbSNP rs879255305, ClinGen allele CA10585903.

ClinVar aggregate classification (germline): Conflicting classifications of pathogenicity. Review status: criteria provided, conflicting classifications (1 of 4 stars). 4 submissions from 4 submitters: Uncertain significance (3); Likely benign (1). Last evaluated 2026-07-30.

Conditions:
Hereditary cancer-predisposing syndrome. Also called: Hereditary Cancer Syndrome; Tumor predisposition; Hereditary neoplastic syndrome; Neoplastic Syndromes, Hereditary. Identifiers: Orphanet 140162, MedGen C0027672, MeSH D009386, MONDO:0015356.
Hereditary breast ovarian cancer syndrome. Also called: Breast and ovarian cancer; Hereditary breast and ovarian cancer syndrome; BRCA1- and BRCA2-Associated Hereditary Breast and Ovarian Cancer; Hereditary breast and ovarian cancer syndrome (HBOC); Hereditary breast and/or ovarian cancer syndrome; Hereditary breast and ovarian cancer. Identifiers: Orphanet 145, MedGen C0677776, MeSH D061325, MONDO:0003582. Disease mechanism: loss of function.
Breast-ovarian cancer, familial, susceptibility to, 2 (BROVCA2). Also called: BRCA2 Hereditary Breast and Ovarian Cancer. Identifiers: Orphanet 145, MedGen C2675520, MONDO:0012933, OMIM 612555. Disease mechanism: loss of function.

Submissions (4):

Myriad Genetics, Inc.
Classification: Likely benign for Breast-ovarian cancer, familial, susceptibility to, 2. Last evaluated: 2026-07-30. Review status: criteria provided, single submitter. Criteria: Myriad Autosomal Dominant, Autosomal Recessive and X-Linked Classification Criteria (2023). Collection method: clinical testing. Allele origin: unknown.
Comment: This variant is considered likely benign. Homozygosity for this variant has been confirmed in one or more individuals lacking clinical features consistent with gene-specific recessive disease, indicating that this variant is unlikely to be pathogenic.

Labcorp Genetics (formerly Invitae), Labcorp
Classification: Uncertain significance for Hereditary breast ovarian cancer syndrome. Last evaluated: 2024-12-18. Review status: criteria provided, single submitter. Criteria: Invitae Variant Classification Sherloc (09022015). Collection method: clinical testing. Allele origin: germline.
Comment: This sequence change replaces isoleucine, which is neutral and non-polar, with threonine, which is neutral and polar, at codon 3259 of the BRCA2 protein (p.Ile3259Thr). This variant is not present in population databases (gnomAD no frequency). This missense change has been observed in individual(s) with clinical features of BRCA2-related conditions (PMID: 21520333). ClinVar contains an entry for this variant (Variation ID: 252418). Invitae Evidence Modeling of protein sequence and biophysical properties (such as structural, functional, and spatial information, amino acid conservation, physicochemical variation, residue mobility, and thermodynamic stability) indicates that this missense variant is not expected to disrupt BRCA2 protein function with a negative predictive value of 95%. In summary, the available evidence is currently insufficient to determine the role of this variant in disease. Therefore, it has been classified as a Variant of Uncertain Significance.

Ambry Genetics
Classification: Uncertain significance for Hereditary cancer-predisposing syndrome. Last evaluated: 2023-03-20. Review status: criteria provided, single submitter. Criteria: Ambry General Variant Classification Scheme_2022. Collection method: clinical testing. Allele origin: germline.
Comment: The p.I3259T variant (also known as c.9776T>C), located in coding exon 26 of the BRCA2 gene, results from a T to C substitution at nucleotide position 9776. The isoleucine at codon 3259 is replaced by threonine, an amino acid with similar properties. This amino acid position is not conserved however, threonine is a reference amino acid in several species. In addition, this alteration is predicted to be tolerated by in silico analysis. Since supporting evidence is limited at this time, the clinical significance of this alteration remains unclear.

Quest Diagnostics Nichols Institute San Juan Capistrano
Classification: Uncertain significance for Breast-ovarian cancer, familial, susceptibility to, 2. Last evaluated: 2016-03-26. Review status: criteria provided, single submitter. Criteria: Quest Diagnostics criteria. Collection method: clinical testing. Allele origin: germline. Inheritance: Autosomal dominant inheritance.

Literature cited by the submitters: PubMed 21520333 (cited by Labcorp Genetics (formerly Invitae), Labcorp); PubMed 25348012 (cited by Quest Diagnostics Nichols Institute San Juan Capistrano); PubMed 26295337 (cited by Quest Diagnostics Nichols Institute San Juan Capistrano).